The following is an entry in ClinVar:

NM_024426.6(WT1):c.541C>A (p.Arg181Ser)

Genes: WT1 (WT1 transcription factor; minus strand), LOC107982234 (WT1/WT1-AS bi-directional promoter region; plus strand). Cytogenetic location: 11p13.
Variant type: single nucleotide variant.
Coding change: c.541C>A on transcript NM_024426.6 (MANE Select); coding-DNA position 541, C replaced by A.
Protein change: p.Arg181Ser; replaces arginine 181 with serine.
Molecular consequence: missense variant. On other transcripts: non-coding transcript variant (1).
Genome position (GRCh38, 1-based): chr11:32,434,820, G>T on the plus strand (C>A on the coding strand, the complement: WT1 is on the minus strand). VCF-style: chr11-32434820-G-T. GRCh37 (hg19) VCF-style: chr11-32456366-G-T.
Other names: c.526C>A (NM_024426.4); c.541C>A, p.Arg181Ser (NM_000378.6, NM_024424.5); short protein forms R181S.
Identifiers: ClinVar variation 584761 (VCV000584761.12), dbSNP rs1565001278, ClinGen allele CA379964728.

ClinVar aggregate classification (germline): Uncertain significance. Review status: criteria provided, multiple submitters, no conflicts (2 of 4 stars). 3 submissions from 3 submitters: Uncertain significance (3). Last evaluated 2024-12-17.

Conditions:
Frasier syndrome. Identifiers: Orphanet 347, MedGen C0950122, MeSH D052159, MONDO:0007635, OMIM 136680.
Wilms tumor 1 (WT1). Also called: Wilms tumor, somatic. Identifiers: Orphanet 654, MedGen CN033288, MONDO:0008679, OMIM 194070.
11p partial monosomy syndrome (WAGR). Also called: WAGR Complex; WAGR syndrome; WAGR Spectrum Disorder; CHROMOSOME 11p13 DELETION SYNDROME. Identifiers: Orphanet 893, MedGen C0206115, MONDO:0008681, OMIM 194072.
Drash syndrome (DDS). Also called: NEPHROPATHY, WILMS TUMOR, AND GENITAL ANOMALIES; WILMS TUMOR AND PSEUDO- OR TRUE HERMAPHRODITISM. Identifiers: Orphanet 220, MedGen C0950121, MONDO:0008682, OMIM 194080.
Inborn genetic diseases. Identifiers: MedGen C0950123, MeSH D030342.

Submissions (3):

Ambry Genetics
Classification: Uncertain significance for Inborn genetic diseases. Last evaluated: 2024-12-17. Review status: criteria provided, single submitter. Criteria: Ambry Variant Classification Scheme 2023. Collection method: clinical testing. Allele origin: germline.
Comment: The p.R176S variant (also known as c.526C>A), located in coding exon 1 of the WT1 gene, results from a C to A substitution at nucleotide position 526. The arginine at codon 176 is replaced by serine, an amino acid with dissimilar properties. This variant was detected once in a cohort of 1663 Brazilian breast cancer patients who underwent hereditary multigene panel testing (Guindalini RSC et al. Sci Rep, 2022 Mar;12:4190). This amino acid position is highly conserved in available vertebrate species. In addition, this alteration is predicted to be deleterious by in silico analysis. Based on the available evidence, the clinical significance of this variant remains unclear.

Labcorp Genetics (formerly Invitae), Labcorp
Classification: Uncertain significance for Wilms tumor 1; Drash syndrome; 11p partial monosomy syndrome; Frasier syndrome. Last evaluated: 2024-06-17. Review status: criteria provided, single submitter. Criteria: Invitae Variant Classification Sherloc (09022015). Collection method: clinical testing. Allele origin: germline.
Comment: This sequence change replaces arginine, which is basic and polar, with serine, which is neutral and polar, at codon 176 of the WT1 protein (p.Arg176Ser). This variant is not present in population databases (gnomAD no frequency). This missense change has been observed in individual(s) with breast cancer (PMID: 35264596). ClinVar contains an entry for this variant (Variation ID: 584761). An algorithm developed to predict the effect of missense changes on protein structure and function (PolyPhen-2) suggests that this variant is likely to be disruptive. In summary, the available evidence is currently insufficient to determine the role of this variant in disease. Therefore, it has been classified as a Variant of Uncertain Significance.

Mendelics
Classification: Uncertain significance for Wilms tumor 1. Last evaluated: 2018-07-02. Review status: criteria provided, single submitter. Criteria: Mendelics Assertion Criteria 2017. Collection method: clinical testing. Allele origin: unknown.

Literature cited by the submitters: PubMed 35264596 (cited by Ambry Genetics and Labcorp Genetics (formerly Invitae), Labcorp).